The following is an entry in ClinVar:

ClinVar aggregate classification (germline): Uncertain significance (1 of 4 stars; one submission).

Conditions:
Dilated cardiomyopathy 1KK (CMD1KK). Identifiers: Orphanet 154, Orphanet 75249, MedGen C3714995, MONDO:0014100, OMIM 615248.

Submission:

Labcorp Genetics (formerly Invitae), Labcorp
Classification: Uncertain significance for Dilated cardiomyopathy 1KK. Last evaluated: 2022-02-18. Review status: criteria provided, single submitter. Criteria: Invitae Variant Classification Sherloc (09022015). Collection method: clinical testing. Allele origin: germline.
Comment: In summary, the available evidence is currently insufficient to determine the role of this variant in disease. Therefore, it has been classified as a Variant of Uncertain Significance. Algorithms developed to predict the effect of missense changes on protein structure and function (SIFT, PolyPhen-2, Align-GVGD) all suggest that this variant is likely to be tolerated. This variant has not been reported in the literature in individuals affected with MYPN-related conditions. This variant is not present in population databases (gnomAD no frequency). This sequence change replaces cysteine, which is neutral and slightly polar, with phenylalanine, which is neutral and non-polar, at codon 141 of the MYPN protein (p.Cys141Phe).

NM_032578.4(MYPN):c.422G>T (p.Cys141Phe)

Gene: MYPN (myopalladin; plus strand). Cytogenetic location: 10q21.3.
Variant type: single nucleotide variant.
Coding change: c.422G>T on transcript NM_032578.4 (MANE Select); coding-DNA position 422, G replaced by T.
Protein change: p.Cys141Phe; replaces cysteine 141 with phenylalanine.
Molecular consequence: missense variant. On other transcripts: 5 prime UTR variant (1), non-coding transcript variant (1).
Genome position (GRCh38, 1-based): chr10:68,121,860, G>T. VCF-style: chr10-68121860-G-T. GRCh37 (hg19) VCF-style: chr10-69881617-G-T.
Other names: c.422G>T, p.Cys141Phe (NM_001256267.2); c.-701G>T (NM_001256268.2); short protein forms C141F.
Identifiers: ClinVar variation 2094770 (VCV002094770.4), dbSNP rs2495463073, ClinGen allele CA377104315.